The following is an entry in ClinVar:

ClinVar aggregate classification (germline): Uncertain significance (1 of 4 stars; one submission).

gnomAD v4.1: 2 of 1,614,162 alleles (0.00012%); highest among the groups gnomAD compares: South Asian, 0.0011%; no homozygotes.

Submission:

Labcorp Genetics (formerly Invitae), Labcorp
Classification: Uncertain significance. Last evaluated: 2025-05-13. Review status: criteria provided, single submitter. Criteria: Invitae Variant Classification Sherloc (09022015). Collection method: clinical testing. Allele origin: germline.
Comment: This sequence change replaces valine, which is neutral and non-polar, with alanine, which is neutral and non-polar, at codon 478 of the NUP85 protein (p.Val478Ala). This variant is not present in population databases (gnomAD no frequency). This variant has not been reported in the literature in individuals affected with NUP85-related conditions. An algorithm developed to predict the effect of missense changes on protein structure and function (PolyPhen-2) suggests that this variant is likely to be tolerated. In summary, the available evidence is currently insufficient to determine the role of this variant in disease. Therefore, it has been classified as a Variant of Uncertain Significance.

NM_024844.5(NUP85):c.1433T>C (p.Val478Ala)

Gene: NUP85 (nucleoporin 85; plus strand). Cytogenetic location: 17q25.1.
Variant type: single nucleotide variant.
Coding change: c.1433T>C on transcript NM_024844.5 (MANE Select); coding-DNA position 1433, T replaced by C.
Protein change: p.Val478Ala; replaces valine 478 with alanine.
Molecular consequence: missense variant.
Genome position (GRCh38, 1-based): chr17:75,232,887, T>C. VCF-style: chr17-75232887-T-C. GRCh37 (hg19) VCF-style: chr17-73228982-T-C.
Other names: c.1295T>C, p.Val432Ala (NM_001303276.2); c.1298T>C, p.Val433Ala (NM_001330472.2); short protein forms V432A, V433A, V478A.
Identifiers: ClinVar variation 4772164 (VCV004772164.1).